The following is an entry in ClinVar:

NM_005045.4(RELN):c.9439G>T (p.Ala3147Ser)

Genes: RELN (reelin; minus strand), SLC26A5-AS1 (SLC26A5 antisense RNA 1; plus strand). Cytogenetic location: 7q22.1.
Variant type: single nucleotide variant.
Coding change: c.9439G>T on transcript NM_005045.4 (MANE Select); coding-DNA position 9439, G replaced by T.
Protein change: p.Ala3147Ser; replaces alanine 3147 with serine.
Molecular consequence: missense variant.
Genome position (GRCh38, 1-based): chr7:103,491,957, C>A on the plus strand (G>T on the coding strand, the complement: RELN is on the minus strand). VCF-style: chr7-103491957-C-A. GRCh37 (hg19) VCF-style: chr7-103132404-C-A.
Other names: c.9439G>T, p.Ala3147Ser (NM_173054.3); short protein forms A3147S.
Identifiers: ClinVar variation 957209 (VCV000957209.11), dbSNP rs150485168, ClinGen allele CA4420227.

ClinVar aggregate classification (germline): Uncertain significance. Review status: criteria provided, multiple submitters, no conflicts (2 of 4 stars). 3 submissions from 3 submitters: Uncertain significance (3). Last evaluated 2026-07-03.

Conditions:
Familial temporal lobe epilepsy 7. Identifiers: Orphanet 101046, MedGen C4225327, MONDO:0014639, OMIM 616436.
Norman-Roberts syndrome (LIS2). Also called: Lissencephaly 2 (Norman-Roberts type). Identifiers: Orphanet 89844, MedGen C0796089, MONDO:0009760, OMIM 257320.
Inborn genetic diseases. Identifiers: MedGen C0950123, MeSH D030342.

Allele frequency attached by ClinVar (database versions not stated): TOPMed 0.00002.
gnomAD v4.1: 12 of 1,596,880 alleles (0.00075%); highest among the groups gnomAD compares: Non-Finnish European, 0.001%; no homozygotes.

Submissions (3):

Ambry Genetics
Classification: Uncertain significance for Inborn genetic diseases. Last evaluated: 2026-07-03. Review status: criteria provided, single submitter. Criteria: Ambry Variant Classification Scheme 2023. Collection method: clinical testing. Allele origin: germline.

Labcorp Genetics (formerly Invitae), Labcorp
Classification: Uncertain significance for Familial temporal lobe epilepsy 7; Norman-Roberts syndrome. Last evaluated: 2026-01-02. Review status: criteria provided, single submitter. Criteria: Invitae Variant Classification Sherloc (09022015). Collection method: clinical testing. Allele origin: germline.
Comment: This sequence change replaces alanine, which is neutral and non-polar, with serine, which is neutral and polar, at codon 3147 of the RELN protein (p.Ala3147Ser). This variant is present in population databases (rs150485168, gnomAD 0.002%). This variant has not been reported in the literature in individuals affected with RELN-related conditions. ClinVar contains an entry for this variant (Variation ID: 957209). Invitae Evidence Modeling of protein sequence and biophysical properties (such as structural, functional, and spatial information, amino acid conservation, physicochemical variation, residue mobility, and thermodynamic stability) indicates that this missense variant is not expected to disrupt RELN protein function with a negative predictive value of 80%. In summary, the available evidence is currently insufficient to determine the role of this variant in disease. Therefore, it has been classified as a Variant of Uncertain Significance.

GeneDx
Classification: Uncertain significance. Last evaluated: 2022-07-14. Review status: criteria provided, single submitter. Criteria: GeneDx Variant Classification Process June 2021. Collection method: clinical testing. Allele origin: germline. Affected: yes.
Comment: Not observed at significant frequency in large population cohorts (gnomAD); In silico analysis supports that this missense variant does not alter protein structure/function; Has not been previously published as pathogenic or benign to our knowledge